The following is an entry in ClinVar:

NM_000179.3(MSH6):c.1271T>C (p.Val424Ala)

Gene: MSH6 (mutS homolog 6; plus strand). Cytogenetic location: 2p16.3.
Variant type: single nucleotide variant.
Coding change: c.1271T>C on transcript NM_000179.3 (MANE Select); coding-DNA position 1271, T replaced by C.
Protein change: p.Val424Ala; replaces valine 424 with alanine.
Molecular consequence: missense variant.
Genome position (GRCh38, 1-based): chr2:47,799,254, T>C. VCF-style: chr2-47799254-T-C. GRCh37 (hg19) VCF-style: chr2-48026393-T-C.
Other names: c.881T>C, p.Val294Ala (NM_001281492.2); c.365T>C, p.Val122Ala (NM_001281493.2, NM_001281494.2); short protein forms V294A, V424A, V122A.
Identifiers: ClinVar variation 851244 (VCV000851244.15), dbSNP rs1669314089, ClinGen allele CA346744026.

ClinVar aggregate classification (germline): Uncertain significance. Review status: criteria provided, multiple submitters, no conflicts (2 of 4 stars). 3 submissions from 3 submitters: Uncertain significance (3). Last evaluated 2023-06-26.

Conditions:
Hereditary cancer-predisposing syndrome. Also called: Tumor predisposition; Neoplastic Syndromes, Hereditary; Hereditary neoplastic syndrome; Hereditary Cancer Syndrome. Identifiers: Orphanet 140162, MedGen C0027672, MeSH D009386, MONDO:0015356.
Lynch syndrome. Identifiers: Orphanet 144, MedGen C4552100, MONDO:0005835. Disease mechanism: loss of function.
Hereditary nonpolyposis colorectal neoplasms. Identifiers: MedGen C0009405, MeSH D003123.

Allele frequency attached by ClinVar (database versions not stated): gnomAD exomes below 0.00001.

Submissions (3):

All of Us Research Program, National Institutes of Health
Classification: Uncertain significance for Lynch syndrome. Last evaluated: 2023-06-26. Review status: criteria provided, single submitter. Criteria: ACMG Guidelines, 2015. Collection method: clinical testing. Allele origin: germline. Inheritance: Autosomal dominant inheritance. Observed: 1 variant allele, 1 heterozygote.
Comment: This missense variant replaces valine with alanine at codon 424 of the MSH6 protein. Computational prediction suggests that this variant may have deleterious impact on protein structure and function (internally defined REVEL score threshold >= 0.7, PMID: 27666373). To our knowledge, functional studies have not been reported for this variant. This variant has not been reported in individuals affected with MSH6-related disorders in the literature. This variant has not been identified in the general population by the Genome Aggregation Database (gnomAD). The available evidence is insufficient to determine the role of this variant in disease conclusively. Therefore, this variant is classified as a Variant of Uncertain Significance.

This study involves interpretation of variants in research participants for the purpose of population health screening. Participant phenotype was not available at the time of variant classification. Additional details can be found in publication PMID: 35346344, PMCID: PMC8962531

Ambry Genetics
Classification: Uncertain significance for Hereditary cancer-predisposing syndrome. Last evaluated: 2023-01-26. Review status: criteria provided, single submitter. Criteria: Ambry Variant Classification Scheme 2023. Collection method: clinical testing. Allele origin: germline.
Comment: The p.V424A variant (also known as c.1271T>C), located in coding exon 4 of the MSH6 gene, results from a T to C substitution at nucleotide position 1271. The valine at codon 424 is replaced by alanine, an amino acid with similar properties. This amino acid position is highly conserved in available vertebrate species. In addition, this alteration is predicted to be deleterious by in silico analysis. Since supporting evidence is limited at this time, the clinical significance of this alteration remains unclear.

Labcorp Genetics (formerly Invitae), Labcorp
Classification: Uncertain significance for Hereditary nonpolyposis colorectal neoplasms. Last evaluated: 2019-12-19. Review status: criteria provided, single submitter. Criteria: Invitae Variant Classification Sherloc (09022015). Collection method: clinical testing. Allele origin: germline.
Comment: In summary, the available evidence is currently insufficient to determine the role of this variant in disease. Therefore, it has been classified as a Variant of Uncertain Significance. Algorithms developed to predict the effect of missense changes on protein structure and function (SIFT, PolyPhen-2, Align-GVGD) all suggest that this variant is likely to be disruptive, but these predictions have not been confirmed by published functional studies and their clinical significance is uncertain. This variant has not been reported in the literature in individuals with MSH6-related conditions. This variant is not present in population databases (ExAC no frequency). This sequence change replaces valine with alanine at codon 424 of the MSH6 protein (p.Val424Ala). The valine residue is highly conserved and there is a small physicochemical difference between valine and alanine.